The following is an entry in ClinVar:

NM_205768.3(ZBTB18):c.1347C>G (p.Cys449Trp)

Gene: ZBTB18 (zinc finger and BTB domain containing 18; plus strand). Cytogenetic location: 1q44.
Variant type: single nucleotide variant.
Coding change: c.1347C>G on transcript NM_205768.3 (MANE Select); coding-DNA position 1347, C replaced by G.
Protein change: p.Cys449Trp; replaces cysteine 449 with tryptophan.
Molecular consequence: missense variant.
Genome position (GRCh38, 1-based): chr1:244,055,121, C>G. VCF-style: chr1-244055121-C-G. GRCh37 (hg19) VCF-style: chr1-244218423-C-G.
Other names: c.1320C>G, p.Cys440Trp (NM_001278196.2, NM_006352.5); short protein forms C440W, C449W.
Identifiers: ClinVar variation 1027959 (VCV001027959.1), dbSNP rs1698436058, ClinGen allele CA345674923.

ClinVar aggregate classification (germline): Uncertain significance (1 of 4 stars; one submission).

Conditions:
Intellectual developmental disorder, autosomal dominant 22. Also called: Intellectual disability, autosomal dominant 22. Identifiers: MedGen CN029689, MONDO:0012869, OMIM 612337.

Submission:

Baylor Genetics
Classification: Uncertain significance for Intellectual developmental disorder, autosomal dominant 22. Last evaluated: 2019-06-19. Review status: criteria provided, single submitter. Criteria: ACMG Guidelines, 2015. Collection method: clinical testing. Allele origin: unknown. Affected: yes.
Comment: This variant was determined to be of uncertain significance according to ACMG Guidelines, 2015 [PMID:25741868].